The following is an entry in ClinVar:

NM_017946.4(FKBP14):c.95_96del (p.Leu32fs)

Genes: FKBP14 (FKBP prolyl isomerase 14; minus strand), FKBP14-AS1 (FKBP14 antisense RNA 1; plus strand). Cytogenetic location: 7p14.3.
Variant type: Microsatellite.
Coding change: c.95_96del on transcript NM_017946.4 (MANE Select); coding-DNA positions 95 to 96, 2 bases deleted (TC; older notation c.95_96delTC).
Protein change: p.Leu32fs; shifts the reading frame from leucine 32.
Molecular consequence: frameshift variant. On other transcripts: non-coding transcript variant (2).
Genome position (GRCh38, 1-based): chr7:30,026,413-30,026,414, GA deleted on the plus strand (TC on the coding strand, the reverse complement: FKBP14 is on the minus strand); deleting any 2 consecutive bases within chr7:30,026,413-30,026,416 gives the same sequence; the c. name uses the placement nearest the transcript's 3' end. VCF-style (leftmost placement, unchanged base first): chr7-30026412-GGA-G. GRCh37 (hg19) VCF-style: chr7-30066028-GGA-G.
Other names: short protein forms L32fs.
Identifiers: ClinVar variation 1068632 (VCV001068632.7), dbSNP rs2127950876, ClinGen allele CA2580615868.

ClinVar aggregate classification (germline): Pathogenic (1 of 4 stars; one submission).

Conditions:
Ehlers-Danlos syndrome, kyphoscoliotic type, 2. Also called: FKBP14-Kyphoscoliotic Ehlers-Danlos Syndrome; Ehlers-Danlos syndrome with progressive kyphoscoliosis, myopathy, and hearing loss; Ehlers-Danlos syndrome, kyphoscoliotic and deafness type. Identifiers: Orphanet 300179, MedGen C3281160, MONDO:0013800, OMIM 614557.

Submission:

Labcorp Genetics (formerly Invitae), Labcorp
Classification: Pathogenic for Ehlers-Danlos syndrome, kyphoscoliotic type, 2. Last evaluated: 2022-11-08. Review status: criteria provided, single submitter. Criteria: Invitae Variant Classification Sherloc (09022015). Collection method: clinical testing. Allele origin: germline.
Comment: For these reasons, this variant has been classified as Pathogenic. This variant has not been reported in the literature in individuals affected with FKBP14-related conditions. This variant is not present in population databases (gnomAD no frequency). This sequence change creates a premature translational stop signal (p.Leu32Profs*21) in the FKBP14 gene. It is expected to result in an absent or disrupted protein product. Loss-of-function variants in FKBP14 are known to be pathogenic (PMID: 22265013).

Literature cited by the submitters: PubMed 22265013.